The following is an entry in ClinVar:

ClinVar aggregate classification (germline): Conflicting classifications of pathogenicity. Review status: criteria provided, conflicting classifications (1 of 4 stars). 5 submissions from 5 submitters: Uncertain significance (3); Benign (1); Likely benign (1). Last evaluated 2025-09-09.

Conditions:
MYO15A-related disorder. Also called: MYO15A-related condition.
Inborn genetic diseases. Identifiers: MedGen C0950123, MeSH D030342.

Allele frequency attached by ClinVar (database versions not stated): gnomAD 0.00004; gnomAD exomes 0.00008 and 0.00029; TOPMed 0.00011.
gnomAD v4.1: 42 of 1,484,476 alleles (0.0028%); highest among the groups gnomAD compares: Admixed American, 0.093%; 1 homozygote.

Submissions (5):

Labcorp Genetics (formerly Invitae), Labcorp
Classification: Benign. Last evaluated: 2025-09-09. Review status: criteria provided, single submitter. Criteria: Invitae Variant Classification Sherloc (09022015). Collection method: clinical testing. Allele origin: germline.

PreventionGenetics, part of Exact Sciences
Classification: Uncertain significance for MYO15A-related condition. Last evaluated: 2025-02-06. Review status: criteria provided, single submitter. Criteria: ACMG Guidelines, 2015. Collection method: clinical testing. Allele origin: germline.
Comment: The MYO15A c.2159C>T variant is predicted to result in the amino acid substitution p.Ala720Val. To our knowledge, this variant has not been reported in the literature. This variant is reported in 0.14% of alleles in individuals of Latino descent in gnomAD. Although we suspect that this variant may be benign, at this time, the clinical significance of this variant is uncertain due to the absence of conclusive functional and genetic evidence.

Ambry Genetics
Classification: Uncertain significance for Inborn genetic diseases. Last evaluated: 2024-02-06. Review status: criteria provided, single submitter. Criteria: Ambry Variant Classification Scheme 2023. Collection method: clinical testing. Allele origin: germline.

Blueprint Genetics
Classification: Uncertain significance. Last evaluated: 2022-01-07. Review status: criteria provided, single submitter. Criteria: ACMG Guidelines, 2015. Collection method: clinical testing. Allele origin: germline.

GeneDx
Classification: Likely benign. Last evaluated: 2020-11-23. Review status: criteria provided, single submitter. Criteria: GeneDx Variant Classification Process June 2021. Collection method: clinical testing. Allele origin: germline. Affected: yes.

NM_016239.4(MYO15A):c.2159C>T (p.Ala720Val)

Gene: MYO15A (myosin XVA; plus strand). Cytogenetic location: 17p11.2.
Variant type: single nucleotide variant.
Coding change: c.2159C>T on transcript NM_016239.4 (MANE Select); coding-DNA position 2159, C replaced by T.
Protein change: p.Ala720Val; replaces alanine 720 with valine.
Molecular consequence: missense variant.
Genome position (GRCh38, 1-based): chr17:18,120,959, C>T. VCF-style: chr17-18120959-C-T. GRCh37 (hg19) VCF-style: chr17-18024273-C-T.
Other names: short protein forms A720V.
Identifiers: ClinVar variation 1212753 (VCV001212753.10), dbSNP rs746972322, ClinGen allele CA8423232.